The following is an entry in ClinVar:

NM_021224.6(ZNF462):c.3115A>G (p.Ser1039Gly)

Gene: ZNF462 (zinc finger protein 462; plus strand). Cytogenetic location: 9q31.2.
Variant type: single nucleotide variant.
Coding change: c.3115A>G on transcript NM_021224.6 (MANE Select); coding-DNA position 3115, A replaced by G.
Protein change: p.Ser1039Gly; replaces serine 1039 with glycine.
Molecular consequence: missense variant.
Genome position (GRCh38, 1-based): chr9:106,927,027, A>G. VCF-style: chr9-106927027-A-G. GRCh37 (hg19) VCF-style: chr9-109689308-A-G.
Other names: c.3115A>G, p.Ser1039Gly (NM_001347997.2); short protein forms S1039G.
Identifiers: ClinVar variation 2632506 (VCV002632506.1), dbSNP rs2538768499, ClinGen allele CA374399477.

ClinVar aggregate classification (germline): Uncertain significance (1 of 4 stars; one submission).

Conditions:
ZNF462-related disorder. Also called: ZNF462 related disease; ZNF462-related condition.

Submission:

PreventionGenetics, part of Exact Sciences
Classification: Uncertain significance for ZNF462-related condition. Last evaluated: 2023-06-05. Review status: criteria provided, single submitter. Criteria: ACMG Guidelines, 2015. Collection method: clinical testing. Allele origin: germline.
Comment: The ZNF462 c.3115A>G variant is predicted to result in the amino acid substitution p.Ser1039Gly. To our knowledge, this variant has not been reported in the literature or in a large population database, indicating this variant is rare. At this time, the clinical significance of this variant is uncertain due to the absence of conclusive functional and genetic evidence.